The following is an entry in ClinVar:

ClinVar aggregate classification (germline): Uncertain significance (1 of 4 stars; one submission).

gnomAD v4.1: 1 of 1,613,752 alleles (0.000062%); highest among the groups gnomAD compares: Non-Finnish European, 0.000085%; no homozygotes.

Submission:

Labcorp Genetics (formerly Invitae), Labcorp
Classification: Uncertain significance. Last evaluated: 2025-10-04. Review status: criteria provided, single submitter. Criteria: Invitae Variant Classification Sherloc (09022015). Collection method: clinical testing. Allele origin: germline.
Comment: This sequence change replaces serine, which is neutral and polar, with phenylalanine, which is neutral and non-polar, at codon 127 of the TMEM230 protein (p.Ser127Phe). This variant is not present in population databases (gnomAD no frequency). This variant has not been reported in the literature in individuals affected with TMEM230-related conditions. An algorithm developed to predict the effect of missense changes on protein structure and function (PolyPhen-2) suggests that this variant is likely to be disruptive. In summary, the available evidence is currently insufficient to determine the role of this variant in disease. Therefore, it has been classified as a Variant of Uncertain Significance.

NM_001009925.2(TMEM230):c.191C>T (p.Ser64Phe)

Gene: TMEM230 (transmembrane protein 230; minus strand). Cytogenetic location: 20p12.3.
Variant type: single nucleotide variant.
Coding change: c.191C>T on transcript NM_001009925.2 (MANE Select); coding-DNA position 191, C replaced by T.
Protein change: p.Ser64Phe; replaces serine 64 with phenylalanine.
Molecular consequence: missense variant.
Genome position (GRCh38, 1-based): chr20:5,106,219, G>A on the plus strand (C>T on the coding strand, the complement: TMEM230 is on the minus strand). VCF-style: chr20-5106219-G-A. GRCh37 (hg19) VCF-style: chr20-5086865-G-A.
Other names: c.191C>T, p.Ser64Phe (NM_001009924.2, NM_001330984.2, NM_001330985.2 and 4 more transcripts); short protein forms S64F.
Identifiers: ClinVar variation 4772681 (VCV004772681.1).
Genomic context (GRCh38, chr20:5,106,219, plus strand): 5'-AACTTATTCCCACATGCCCGTCAGCTTACCCCTTTGCTGATGTAGCCTGACAGCAGGAGG[G>A]AGCCTATAATAATGAGAAAGGCGCCAATCAAAAACAGCACAGTGGCAAGTGCGATGGCCT-3'
Protein context (NP_001009925.1, residues 54-74): LIGAFLIIIG[Ser64Phe]LLLSGYISKG